The following is an entry in ClinVar:

NM_001085411.3(NADK2):c.1296A>T (p.Glu432Asp)

Gene: NADK2 (NAD kinase 2, mitochondrial; minus strand). Cytogenetic location: 5p13.2.
Variant type: single nucleotide variant.
Coding change: c.1296A>T on transcript NM_001085411.3 (MANE Select); coding-DNA position 1296, A replaced by T.
Protein change: p.Glu432Asp; replaces glutamic acid 432 with aspartic acid.
Molecular consequence: missense variant.
Genome position (GRCh38, 1-based): chr5:36,195,177, T>A on the plus strand (A>T on the coding strand, the complement: NADK2 is on the minus strand). VCF-style: chr5-36195177-T-A. GRCh37 (hg19) VCF-style: chr5-36195279-T-A.
Other names: c.807A>T, p.Glu269Asp (NM_001287340.2, NM_153013.5); c.873A>T, p.Glu291Asp (NM_001287341.2); c.1296A>T (NM_001085411.2); short protein forms E269D, E432D, E291D.
Identifiers: ClinVar variation 2469266 (VCV002469266.4), dbSNP rs561110793, ClinGen allele CA3234457.

ClinVar aggregate classification (germline): Uncertain significance. Review status: criteria provided, multiple submitters, no conflicts (2 of 4 stars). 2 submissions from 2 submitters: Uncertain significance (2). Last evaluated 2026-03-17.

Conditions:
Inborn genetic diseases. Identifiers: MedGen C0950123, MeSH D030342.

Allele frequency attached by ClinVar (database versions not stated): gnomAD exomes below 0.00001; ExAC 0.00001; gnomAD 0.00001; 1000 Genomes Project 30x 0.00016; 1000 Genomes Project 0.00020.
gnomAD v4.1: 3 of 1,613,390 alleles (0.00019%); highest among the groups gnomAD compares: South Asian, 0.0033%; no homozygotes.

Submissions (2):

GeneDx
Classification: Uncertain significance. Last evaluated: 2026-03-17. Review status: criteria provided, single submitter. Criteria: GeneDx Variant Classification Process June 2021. Collection method: clinical testing. Allele origin: germline.
Comment: In silico analysis suggests that this missense variant does not alter protein structure/function; Has not been previously published as pathogenic or benign to our knowledge

Ambry Genetics
Classification: Uncertain significance for Inborn genetic diseases. Last evaluated: 2025-08-09. Review status: criteria provided, single submitter. Criteria: Ambry Variant Classification Scheme 2023. Collection method: clinical testing. Allele origin: germline.